The following is an entry in ClinVar:

ClinVar aggregate classification (germline): Likely pathogenic. Review status: criteria provided, single submitter (1 of 4 stars). 2 submissions from 2 submitters: Likely pathogenic (1). 1 of the submissions does not count toward it. Last evaluated 2026-01-12.

Conditions:
PAX6-related disorder. Also called: PAX6-related disorders; PAX6-related condition.
Aniridia 1 (AN1). Identifiers: Orphanet 250923, MedGen C0344542, MONDO:0024507, OMIM 106210.

Submissions (2):

3billion
Classification: Likely pathogenic for PAX6-related disorder. Last evaluated: 2026-01-12. Review status: criteria provided, single submitter. Criteria: ACMG Guidelines, 2015. Collection method: clinical testing. Allele origin: germline. Affected: yes.
Comment: The variant is not observed in the gnomAD v4.1.0 dataset. Predicted Consequence/Location: Canonical splice site: predicted to alter splicing and result in a loss or disruption of normal protein function. Multiple pathogenic variants are reported in the predicted truncated region. In silico tools predict the variant to alter splicing and produce an abnormal transcript [SpliceAI: 0.94 (spliceogenicity >=0.2, non-spliceogenicity <0.1)]. The variant has been reported to be associated with PAX6-related disorder (ClinVar ID: VCV000431009 /PMID: 21633710). Therefore, this variant is classified as Likely pathogenic according to the recommendation of ACMG/AMP guideline.

Laboratory of Genetic Epidemiology, Research Centre for Medical Genetics
Classification: Pathogenic for Aniridia 1. Review status: no assertion criteria provided. Collection method: research. Allele origin: de novo, maternal. Inheritance: Autosomal dominant inheritance. Affected: yes. Observed: 2 heterozygotes. Not counted in ClinVar's aggregate classification.

Literature cited by the submitters: PubMed 21633710 (cited by 3billion); PubMed 28321846 (cited by Laboratory of Genetic Epidemiology, Research Centre for Medical Genetics).

NM_001368894.2(PAX6):c.1225+2T>C

Gene: PAX6 (paired box 6; minus strand). Cytogenetic location: 11p13.
Variant type: single nucleotide variant.
Coding change: c.1225+2T>C on transcript NM_001368894.2 (MANE Select); the canonical splice donor site of the intron after coding-DNA position 1225, T replaced by C.
Molecular consequence: splice donor variant. On other transcripts: intron variant (9).
Genome position (GRCh38, 1-based): chr11:31,790,708, A>G on the plus strand (T>C on the coding strand, the complement: PAX6 is on the minus strand). VCF-style: chr11-31790708-A-G. GRCh37 (hg19) VCF-style: chr11-31812256-A-G.
Other names: c.1183+2T>C (NM_001127612.3, NM_001368890.2, NM_001368888.2 and 6 more transcripts); c.874-689T>C (NM_001368921.2); c.1024+2T>C (NM_001368923.2, NM_001368926.2, NM_001368927.2 and 3 more transcripts); c.1225+2T>C (NM_001258462.3, NM_001310158.2, NM_001258463.2 and 3 more transcripts); c.1300+2T>C (NM_001368919.2, NM_001368918.2); c.1033-689T>C (NM_001368915.2, NM_001368917.2, NM_001368916.2); c.1075-689T>C (NM_001368914.2, NM_001368912.2, NM_001368913.2); c.1426+2T>C (NM_001368910.2); and 6 more.
Identifiers: ClinVar variation 431009 (VCV000431009.4), dbSNP rs1131692319, ClinGen allele CA379966968.